The following is an entry in ClinVar:

NM_001267550.2(TTN):c.80221A>G (p.Ser26741Gly)

Genes: TTN-AS1 (TTN antisense RNA 1; plus strand), TTN (titin; minus strand). Cytogenetic location: 2q31.2.
Variant type: single nucleotide variant.
Coding change: c.80221A>G on transcript NM_001267550.2 (MANE Select); coding-DNA position 80221, A replaced by G.
Protein change: p.Ser26741Gly; replaces serine 26741 with glycine.
Molecular consequence: missense variant.
Genome position (GRCh38, 1-based): chr2:178,565,911, T>C on the plus strand (A>G on the coding strand, the complement: TTN is on the minus strand). VCF-style: chr2-178565911-T-C. GRCh37 (hg19) VCF-style: chr2-179430638-T-C.
Other names: c.75298A>G, p.Ser25100Gly (NM_001256850.1); c.53026A>G, p.Ser17676Gly (NM_003319.4); c.72517A>G, p.Ser24173Gly (NM_133378.4); c.53401A>G, p.Ser17801Gly (NM_133432.3); c.53602A>G, p.Ser17868Gly (NM_133437.4); short protein forms S25100G, S26741G, S17801G, S17868G, S24173G, S17676G.
Identifiers: ClinVar variation 506549 (VCV000506549.2), dbSNP rs750048032, ClinGen allele CA1989376.
Genomic context (GRCh38, chr2:178,565,911, plus strand): 5'-TTTCAGCCATGACTCTGAAGTAATAAATGGCTCCTTCTGTAAGGTTTTCCACTTTAAAAC[T>C]TGTTTTGCTGCATTTACTACTCACATTAGCATACGCTTTTCTGGTTGACTCACGTTTGTC-3'
Protein context (NP_001254479.2, residues 26731-26751): ANVSSKCSKT[Ser26741Gly]FKVENLTEGA

ClinVar aggregate classification (germline): Conflicting classifications of pathogenicity. Review status: criteria provided, conflicting classifications (1 of 4 stars). 2 submissions from 2 submitters: Uncertain significance (1); Likely benign (1). Last evaluated 2026-01-12.

Allele frequency attached by ClinVar (database versions not stated): gnomAD 0.00001; gnomAD exomes 0.00001 and 0.00002; ExAC 0.00002.
gnomAD v4.1: 25 of 1,613,580 alleles (0.0015%); highest among the groups gnomAD compares: Non-Finnish European, 0.0021%; no homozygotes.

Submissions (2):

Women's Health and Genetics/Laboratory Corporation of America, LabCorp
Classification: Uncertain significance. Last evaluated: 2026-01-12. Review status: criteria provided, single submitter. Criteria: LabCorp Variant Classification Summary - May 2015. Collection method: clinical testing. Allele origin: germline.

GeneDx
Classification: Likely benign. Last evaluated: 2018-02-06. Review status: criteria provided, single submitter. Criteria: GeneDx Variant Classification (06012015). Collection method: clinical testing. Allele origin: germline. Affected: yes.
Comment: This variant is considered likely benign or benign based on one or more of the following criteria: it is a conservative change, it occurs at a poorly conserved position in the protein, it is predicted to be benign by multiple in silico algorithms, and/or has population frequency not consistent with disease.